The following is an entry in ClinVar:

ClinVar aggregate classification (germline): Benign (1 of 4 stars; one submission).

Submission:

Molecular Diagnostic Laboratory for Inherited Cardiovascular Disease, Montreal Heart Institute
Classification: Benign. Last evaluated: 2025-04-09. Review status: criteria provided, single submitter. Criteria: ACMG Guidelines, 2015. Collection method: clinical testing. Allele origin: germline. Affected: no.
Comment: BS1

NM_003036.4(SKI):c.969+18267dup

Gene: SKI (SKI proto-oncogene; plus strand). Cytogenetic location: 1p36.33.
Variant type: Duplication.
Coding change: c.969+18267dup on transcript NM_003036.4 (MANE Select); 18267 bases into the intron after coding-DNA position 969, one base duplicated (G; older notation c.969+18267dupG).
Molecular consequence: intron variant.
Genome position (GRCh38, 1-based): chr1:2,248,002, G duplicated; the last of 7 consecutive G bases (chr1:2,247,996-2,248,002); duplicating any one gives the same sequence. VCF-style (leftmost placement, unchanged base first): chr1-2247995-C-CG. GRCh37 (hg19) VCF-style: chr1-2179434-C-CG.
Identifiers: ClinVar variation 3895388 (VCV003895388.1), dbSNP rs542847867.